The following is an entry in ClinVar:

ClinVar aggregate classification (germline): Conflicting classifications of pathogenicity. Review status: criteria provided, conflicting classifications (1 of 4 stars). 3 submissions from 3 submitters: Uncertain significance (1); Benign (2). Last evaluated 2026-02-27.

Conditions:
C2CD3-related disorder. Also called: C2CD3-related condition.
Congenital portosystemic shunt. Identifiers: Orphanet 480531, MedGen C1290495, MONDO:0018811.

Allele frequency attached by ClinVar (database versions not stated): gnomAD 0.00159; TOPMed 0.00170; gnomAD exomes 0.00176; ExAC 0.00178; 1000 Genomes Project 30x 0.00328; 1000 Genomes Project 0.00399.
gnomAD v4.1: 753 of 1,614,062 alleles (0.047%); highest among the groups gnomAD compares: East Asian, 1.4%; 7 homozygotes.

Submissions (3):

Department of Pediatrics, Graduate School of Medical Sciences, Kyushu University
Classification: Uncertain significance for Congenital portosystemic shunt. Last evaluated: 2026-02-27. Review status: criteria provided, single submitter. Criteria: ACMG Guidelines, 2015. Collection method: research. Allele origin: germline. Affected: yes.
Comment: Both variants are rare or absent in population databases such as gnomAD, and in silico prediction tools including CADD suggest potential deleterious effects. However, the relationship between this gene and CPSS has not been established. Therefore, the clinical significance of this variant is currently classified as a variant of uncertain significance (VUS).

Labcorp Genetics (formerly Invitae), Labcorp
Classification: Benign. Last evaluated: 2026-01-06. Review status: criteria provided, single submitter. Criteria: Invitae Variant Classification Sherloc (09022015). Collection method: clinical testing. Allele origin: germline.

PreventionGenetics, part of Exact Sciences
Classification: Benign for C2CD3-related condition. Last evaluated: 2025-07-18. Review status: criteria provided, single submitter. Criteria: ACMG Guidelines, 2015. Collection method: clinical testing. Allele origin: germline.
Comment: This variant is classified as benign based on ACMG/AMP sequence variant interpretation guidelines (Richards et al. 2015 PMID: 25741868, with internal and published modifications).

NM_001286577.2(C2CD3):c.131C>A (p.Thr44Asn)

Gene: C2CD3 (C2 domain containing 3 centriole elongation regulator; minus strand). Cytogenetic location: 11q13.4.
Variant type: single nucleotide variant.
Coding change: c.131C>A on transcript NM_001286577.2 (MANE Select); coding-DNA position 131, C replaced by A.
Protein change: p.Thr44Asn; replaces threonine 44 with asparagine.
Molecular consequence: missense variant.
Genome position (GRCh38, 1-based): chr11:74,168,538, G>T on the plus strand (C>A on the coding strand, the complement: C2CD3 is on the minus strand). VCF-style: chr11-74168538-G-T. GRCh37 (hg19) VCF-style: chr11-73879583-G-T.
Other names: c.131C>A, p.Thr44Asn (NM_015531.6); short protein forms T44N.
Identifiers: ClinVar variation 728678 (VCV000728678.11), dbSNP rs145062279, ClinGen allele CA6183306.